The following is an entry in ClinVar:

NM_000138.5(FBN1):c.7737T>G (p.His2579Gln)

Gene: FBN1 (fibrillin 1; minus strand). Cytogenetic location: 15q21.1.
Variant type: single nucleotide variant.
Coding change: c.7737T>G on transcript NM_000138.5 (MANE Select); coding-DNA position 7737, T replaced by G.
Protein change: p.His2579Gln; replaces histidine 2579 with glutamine.
Molecular consequence: missense variant.
Genome position (GRCh38, 1-based): chr15:48,420,769, A>C on the plus strand (T>G on the coding strand, the complement: FBN1 is on the minus strand). VCF-style: chr15-48420769-A-C. GRCh37 (hg19) VCF-style: chr15-48712966-A-C.
Other names: c.7737T>G, p.His2579Gln (NM_001406716.1); short protein forms H2579Q.
Identifiers: ClinVar variation 2949216 (VCV002949216.3), dbSNP rs553053319, ClinGen allele CA392324767.
Genomic context (GRCh38, chr15:48,420,769, plus strand): 5'-GTGCTGGAGGTAGCCCTGGGGGCAGCTGCACCTGTAGCCCCCAATGATGTTCTGGCAGCC[A>C]TGCTGGCAGCGGTGGTTACCCTCACACTCGTCCACGTCTGAAAAAGAAGCAGAGCCACCA-3'
Protein context (NP_000129.3, residues 2569-2589): DECEGNHRCQ[His2579Gln]GCQNIIGGYR

ClinVar aggregate classification (germline): Uncertain significance (1 of 4 stars; one submission).

Conditions:
Marfan syndrome (MFS). Also called: MARFAN SYNDROME, TYPE I; Marfan syndrome type 1; Marfan's syndrome; Marfan syndrome, classic; FBN1-Related Marfan Syndrome. Identifiers: Orphanet 284963, Orphanet 558, MedGen C0024796, MONDO:0007947, OMIM 154700.
Familial thoracic aortic aneurysm and aortic dissection (TAAD). Also called: Thoracic aortic aneurysms and dissections. Identifiers: Orphanet 91387, MedGen C4707243, MONDO:0019625.

Submission:

Labcorp Genetics (formerly Invitae), Labcorp
Classification: Uncertain significance for Marfan syndrome; Familial thoracic aortic aneurysm and aortic dissection. Last evaluated: 2023-06-23. Review status: criteria provided, single submitter. Criteria: Invitae Variant Classification Sherloc (09022015). Collection method: clinical testing. Allele origin: germline.
Comment: In summary, the available evidence is currently insufficient to determine the role of this variant in disease. Therefore, it has been classified as a Variant of Uncertain Significance. Advanced modeling of protein sequence and biophysical properties (such as structural, functional, and spatial information, amino acid conservation, physicochemical variation, residue mobility, and thermodynamic stability) has been performed at Invitae for this missense variant, however the output from this modeling did not meet the statistical confidence thresholds required to predict the impact of this variant on FBN1 protein function. This sequence change replaces histidine, which is basic and polar, with glutamine, which is neutral and polar, at codon 2579 of the FBN1 protein (p.His2579Gln). This variant is not present in population databases (gnomAD no frequency). This variant has not been reported in the literature in individuals affected with FBN1-related conditions.